The following is an entry in ClinVar:

ClinVar aggregate classification (germline): Likely benign. Review status: criteria provided, single submitter (1 of 4 stars). 2 submissions from 2 submitters: Likely benign (1). 1 of the submissions does not count toward it. Last evaluated 2026-09-01.

Conditions:
UNC13A-related disorder. Also called: UNC13A-related condition.

Allele frequency attached by ClinVar (database versions not stated): 1000 Genomes Project 0.00060; 1000 Genomes Project 30x 0.00062; TOPMed 0.00447; gnomAD 0.00478; ESP Exome Variant Server 0.00494; ExAC 0.01092.
gnomAD v4.1: 10,907 of 1,590,096 alleles (0.69%); highest among the groups gnomAD compares: Non-Finnish European, 0.82%; 58 homozygotes.

Submissions (2):

CeGaT Center for Human Genetics Tuebingen
Classification: Likely benign. Last evaluated: 2026-09-01. Review status: criteria provided, single submitter. Criteria: CeGaT Center For Human Genetics Tuebingen Variant Classification Criteria Version 2. Collection method: clinical testing. Allele origin: germline. Affected: yes. Observed: 12 variant alleles.
Comment: UNC13A: BS2

PreventionGenetics, part of Exact Sciences
Classification: Benign for UNC13A-related condition. Last evaluated: 2019-12-03. Review status: no assertion criteria provided. Collection method: clinical testing. Allele origin: germline. Not counted in ClinVar's aggregate classification.
Comment: This variant is classified as benign based on ACMG/AMP sequence variant interpretation guidelines (Richards et al. 2015 PMID: 25741868, with internal and published modifications).

NM_001080421.3(UNC13A):c.3080C>T (p.Pro1027Leu)

Gene: UNC13A (unc-13 homolog A; minus strand). Cytogenetic location: 19p13.11.
Variant type: single nucleotide variant.
Coding change: c.3080C>T on transcript NM_001080421.3 (MANE Select); coding-DNA position 3080, C replaced by T.
Protein change: p.Pro1027Leu; replaces proline 1027 with leucine.
Molecular consequence: missense variant.
Genome position (GRCh38, 1-based): chr19:17,639,084, G>A on the plus strand (C>T on the coding strand, the complement: UNC13A is on the minus strand). VCF-style: chr19-17639084-G-A. GRCh37 (hg19) VCF-style: chr19-17749893-G-A.
Other names: c.3080C>T (NM_001080421.2); c.3074C>T, p.Pro1025Leu (NM_001387021.1, NM_001387022.1, NM_001387023.1); short protein forms P1025L, P1027L.
Identifiers: ClinVar variation 2649550 (VCV002649550.25), dbSNP rs200328448, ClinGen allele CA9298110.